The following is an entry in ClinVar:

NM_002496.4(NDUFS8):c.328C>T (p.Arg110Cys)

Gene: NDUFS8 (NADH:ubiquinone oxidoreductase core subunit S8; plus strand). Cytogenetic location: 11q13.2.
Variant type: single nucleotide variant.
Coding change: c.328C>T on transcript NM_002496.4 (MANE Select); coding-DNA position 328, C replaced by T.
Protein change: p.Arg110Cys; replaces arginine 110 with cysteine.
Molecular consequence: missense variant.
Genome position (GRCh38, 1-based): chr11:68,033,239, C>T. VCF-style: chr11-68033239-C-T. GRCh37 (hg19) VCF-style: chr11-67800706-C-T.
Other names: short protein forms R110C.
Identifiers: ClinVar variation 1313905 (VCV001313905.3), dbSNP rs1002714490, ClinGen allele CA224241665.

ClinVar aggregate classification (germline): Uncertain significance (1 of 4 stars; one submission).

Submission:

GeneDx
Classification: Uncertain significance. Last evaluated: 2024-05-23. Review status: criteria provided, single submitter. Criteria: GeneDx Variant Classification Process June 2021. Collection method: clinical testing. Allele origin: germline. Affected: yes.
Comment: Not observed at significant frequency in large population cohorts (gnomAD); In silico analysis supports that this missense variant has a deleterious effect on protein structure/function; Has not been previously published as pathogenic or benign to our knowledge